The following is an entry in ClinVar:

NM_032043.3(BRIP1):c.2409C>T (p.His803=)

Gene: BRIP1 (BRCA1 interacting DNA helicase 1; minus strand). Cytogenetic location: 17q23.2.
Variant type: single nucleotide variant.
Coding change: c.2409C>T on transcript NM_032043.3 (MANE Select); coding-DNA position 2409, C replaced by T.
Protein change: p.His803=; no amino-acid change (histidine 803 retained).
Molecular consequence: synonymous variant.
Genome position (GRCh38, 1-based): chr17:61,716,034, G>A on the plus strand (C>T on the coding strand, the complement: BRIP1 is on the minus strand). VCF-style: chr17-61716034-G-A. GRCh37 (hg19) VCF-style: chr17-59793395-G-A.
Identifiers: ClinVar variation 414672 (VCV000414672.18), dbSNP rs762039913, ClinGen allele CA16615792.

ClinVar aggregate classification (germline): Benign/Likely benign. Review status: criteria provided, multiple submitters, no conflicts (2 of 4 stars). 6 submissions from 6 submitters: Benign (1); Likely benign (5). Last evaluated 2025-08-18.

Conditions:
Fanconi anemia complementation group J. Also called: BRIP1-Related Fanconi Anemia. Identifiers: Orphanet 84, MedGen C1836860, MONDO:0012187, OMIM 609054.
Familial cancer of breast. Also called: Hereditary breast cancer; BREAST CANCER, FAMILIAL; hereditary breast carcinoma. Identifiers: Orphanet 227535, MedGen C0346153, MONDO:0016419, OMIM 114480. Disease mechanism: loss of function.
Hereditary cancer-predisposing syndrome. Also called: Tumor predisposition; Neoplastic Syndromes, Hereditary; Hereditary Cancer Syndrome; Hereditary neoplastic syndrome. Identifiers: Orphanet 140162, MedGen C0027672, MeSH D009386, MONDO:0015356.

Allele frequency attached by ClinVar (database versions not stated): gnomAD exomes below 0.00001; TOPMed below 0.00001.
gnomAD v4.1: 3 of 1,606,120 alleles (0.00019%); highest among the groups gnomAD compares: Non-Finnish European, 0.000085%; no homozygotes.

Submissions (6):

Labcorp Genetics (formerly Invitae), Labcorp
Classification: Likely benign for Familial cancer of breast; Fanconi anemia complementation group J. Last evaluated: 2025-08-18. Review status: criteria provided, single submitter. Criteria: Invitae Variant Classification Sherloc (09022015). Collection method: clinical testing. Allele origin: germline.

Myriad Genetics, Inc.
Classification: Benign for Familial cancer of breast. Last evaluated: 2024-09-04. Review status: criteria provided, single submitter. Criteria: Myriad Autosomal Dominant, Autosomal Recessive and X-Linked Classification Criteria (2023). Collection method: clinical testing. Allele origin: unknown.
Comment: This variant is considered benign. This variant is a silent/synonymous amino acid change and it is not expected to impact splicing.

Quest Diagnostics Nichols Institute San Juan Capistrano
Classification: Likely benign. Last evaluated: 2023-06-30. Review status: criteria provided, single submitter. Criteria: Quest Diagnostics criteria. Collection method: clinical testing. Allele origin: unknown.

Women's Health and Genetics/Laboratory Corporation of America, LabCorp
Classification: Likely benign. Last evaluated: 2023-02-04. Review status: criteria provided, single submitter. Criteria: LabCorp Variant Classification Summary - May 2015. Collection method: clinical testing. Allele origin: germline.

Ambry Genetics
Classification: Likely benign for Hereditary cancer-predisposing syndrome. Last evaluated: 2022-11-05. Review status: criteria provided, single submitter. Criteria: Ambry Variant Classification Scheme 2023. Collection method: clinical testing. Allele origin: germline.

Color Diagnostics, LLC DBA Color Health
Classification: Likely benign for Hereditary cancer-predisposing syndrome. Last evaluated: 2019-05-22. Review status: criteria provided, single submitter. Criteria: ACMG Guidelines, 2015. Collection method: clinical testing. Allele origin: germline.